The following is an entry in ClinVar:

ClinVar aggregate classification (germline): Pathogenic (1 of 4 stars; one submission).

Conditions:
Hereditary leiomyomatosis and renal cell cancer. Also called: MULTIPLE CUTANEOUS AND UTERINE LEIOMYOMATA 1, WITH OR WITHOUT RENAL CELL CARCINOMA; Reed syndrome; Multiple cutaneous and uterine leiomyomatosis; Cutaneous leiomyomata with uterine leiomyomata; Leiomyoma, hereditary multiple, of skin; Multiple cutaneous and uterine leiomyomata. Identifiers: Orphanet 523, MedGen C1708350, MONDO:0007888, OMIM 150800, HP:0007437. Disease mechanism: loss of function.
Hereditary cancer-predisposing syndrome. Also called: Neoplastic Syndromes, Hereditary; Tumor predisposition; Hereditary Cancer Syndrome; Hereditary neoplastic syndrome. Identifiers: Orphanet 140162, MedGen C0027672, MeSH D009386, MONDO:0015356.

Submission:

Academic Department of Medical Genetics, University of Cambridge
Classification: Pathogenic for Hereditary cancer-predisposing syndrome; Multiple cutaneous leiomyomas. Last evaluated: 2018-01-26. Review status: criteria provided, single submitter. Criteria: Whitworth J et al. (Am J Hum Genet 2018). Collection method: research. Allele origin: germline. Affected: yes. Observed: 1 heterozygote.
Comment: Identified as part of research study of individuals with multiple primary tumours referred for genetic assessment

Single allele

Genes: CHML (CHM like Rab escort protein; minus strand), KMO (kynurenine 3-monooxygenase; plus strand), MAP1LC3C (microtubule associated protein 1 light chain 3 gamma; minus strand), OPN3 (opsin 3; minus strand), PLD5 (phospholipase D family member 5; minus strand) and 9 more. Cytogenetic location: 1q43.
Variant type: Deletion.
Identifiers: ClinVar variation 689438 (VCV000689438.1).